The following is an entry in ClinVar:

ClinVar aggregate classification (germline): Uncertain significance (1 of 4 stars; one submission).

Conditions:
NIPBL-related disorder. Also called: NIPBL-related condition.

Allele frequency attached by ClinVar (database versions not stated): TOPMed below 0.00001; gnomAD 0.00001.
gnomAD v4.1: 2 of 1,613,846 alleles (0.00012%); highest among the groups gnomAD compares: African/African-American, 0.0027%; no homozygotes.

Submission:

PreventionGenetics, part of Exact Sciences
Classification: Uncertain significance for NIPBL-related condition. Last evaluated: 2023-01-30. Review status: criteria provided, single submitter. Criteria: ACMG Guidelines, 2015. Collection method: clinical testing. Allele origin: germline.
Comment: The NIPBL c.2510A>C variant is predicted to result in the amino acid substitution p.Gln837Pro. To our knowledge, this variant has not been reported in the literature or in a large population database, indicating this variant is rare. At this time, the clinical significance of this variant is uncertain due to the absence of conclusive functional and genetic evidence.

NM_133433.4(NIPBL):c.2510A>C (p.Gln837Pro)

Gene: NIPBL (NIPBL cohesin loading factor; plus strand). Cytogenetic location: 5p13.2.
Variant type: single nucleotide variant.
Coding change: c.2510A>C on transcript NM_133433.4 (MANE Select); coding-DNA position 2510, A replaced by C.
Protein change: p.Gln837Pro; replaces glutamine 837 with proline.
Molecular consequence: missense variant.
Genome position (GRCh38, 1-based): chr5:36,985,690, A>C. VCF-style: chr5-36985690-A-C. GRCh37 (hg19) VCF-style: chr5-36985792-A-C.
Other names: c.2510A>C, p.Gln837Pro (NM_015384.5); short protein forms Q837P.
Identifiers: ClinVar variation 2630436 (VCV002630436.1), dbSNP rs1431017909, ClinGen allele CA359501893.